The following is an entry in ClinVar:

ClinVar aggregate classification (germline): Uncertain significance (1 of 4 stars; one submission).

Allele frequency attached by ClinVar (database versions not stated): gnomAD exomes below 0.00001; gnomAD 0.00001; TOPMed 0.00001.
gnomAD v4.1: 2 of 1,613,964 alleles (0.00012%); highest among the groups gnomAD compares: African/African-American, 0.0013%; no homozygotes.

Submission:

Labcorp Genetics (formerly Invitae), Labcorp
Classification: Uncertain significance. Last evaluated: 2022-10-23. Review status: criteria provided, single submitter. Criteria: Invitae Variant Classification Sherloc (09022015). Collection method: clinical testing. Allele origin: germline.
Comment: This variant is present in population databases (no rsID available, gnomAD 0.0009%). In summary, the available evidence is currently insufficient to determine the role of this variant in disease. Therefore, it has been classified as a Variant of Uncertain Significance. Advanced modeling of protein sequence and biophysical properties (such as structural, functional, and spatial information, amino acid conservation, physicochemical variation, residue mobility, and thermodynamic stability) performed at Invitae indicates that this missense variant is not expected to disrupt MMP14 protein function. ClinVar contains an entry for this variant (Variation ID: 1404948). This variant has not been reported in the literature in individuals affected with MMP14-related conditions. This sequence change replaces glycine, which is neutral and non-polar, with glutamic acid, which is acidic and polar, at codon 409 of the MMP14 protein (p.Gly409Glu).

NM_004995.4(MMP14):c.1226G>A (p.Gly409Glu)

Gene: MMP14 (matrix metallopeptidase 14; plus strand). Cytogenetic location: 14q11.2.
Variant type: single nucleotide variant.
Coding change: c.1226G>A on transcript NM_004995.4 (MANE Select); coding-DNA position 1226, G replaced by A.
Protein change: p.Gly409Glu; replaces glycine 409 with glutamic acid.
Molecular consequence: missense variant.
Genome position (GRCh38, 1-based): chr14:22,844,705, G>A. VCF-style: chr14-22844705-G-A. GRCh37 (hg19) VCF-style: chr14-23313914-G-A.
Other names: short protein forms G409E.
Identifiers: ClinVar variation 1404948 (VCV001404948.8), dbSNP rs1361991049, ClinGen allele CA388933405.
Genomic context (GRCh38, chr14:22,844,705, plus strand): 5'-TGTTTGATGAGGCGTCCCTGGAACCTGGCTACCCCAAGCACATTAAGGAGCTGGGCCGAG[G>A]GCTGCCTACCGACAAGATTGATGCTGCTCTCTTCTGGATGCCCAATGGAAAGACCTACTT-3'
Protein context (NP_004986.1, residues 399-419): YPKHIKELGR[Gly409Glu]LPTDKIDAAL